The following is an entry in ClinVar:

ClinVar aggregate classification (germline): Uncertain significance. Review status: criteria provided, multiple submitters, no conflicts (2 of 4 stars). 3 submissions from 3 submitters: Uncertain significance (3). Last evaluated 2024-08-20.

Conditions:
Hereditary spastic paraplegia 15 (SPG15). Also called: KJELLIN SYNDROME; SPASTIC PARAPLEGIA AND RETINAL DEGENERATION; SPASTIC PARAPLEGIA 15, AUTOSOMAL RECESSIVE. Identifiers: Orphanet 100996, MedGen C1849128, MONDO:0010044, OMIM 270700.
Inborn genetic diseases. Identifiers: MedGen C0950123, MeSH D030342.
Spastic paraplegia. Identifiers: MedGen C0037772, HP:0001258.

Allele frequency attached by ClinVar (database versions not stated): ExAC 0.00002; gnomAD exomes 0.00002 and 0.00007; gnomAD 0.00007 and 0.00008; TOPMed 0.00008.

Submissions (3):

Ambry Genetics
Classification: Uncertain significance for Inborn genetic diseases. Last evaluated: 2024-08-20. Review status: criteria provided, single submitter. Criteria: Ambry Variant Classification Scheme 2023. Collection method: clinical testing. Allele origin: germline.

Labcorp Genetics (formerly Invitae), Labcorp
Classification: Uncertain significance for Spastic paraplegia. Last evaluated: 2021-09-17. Review status: criteria provided, single submitter. Criteria: Invitae Variant Classification Sherloc (09022015). Collection method: clinical testing. Allele origin: germline.
Comment: This sequence change replaces arginine with threonine at codon 2453 of the ZFYVE26 protein (p.Arg2453Thr). The arginine residue is moderately conserved and there is a moderate physicochemical difference between arginine and threonine. The frequency data for this variant in the population databases is considered unreliable, as metrics indicate poor data quality at this position in the ExAC database. This variant has not been reported in the literature in individuals with ZFYVE26-related disease. Algorithms developed to predict the effect of missense changes on protein structure and function (SIFT, PolyPhen-2, Align-GVGD) all suggest that this variant is likely to be tolerated, but these predictions have not been confirmed by published functional studies and their clinical significance is uncertain. In summary, the available evidence is currently insufficient to determine the role of this variant in disease. Therefore, it has been classified as a Variant of Uncertain Significance.

Baylor Genetics
Classification: Uncertain significance for Hereditary spastic paraplegia 15. Last evaluated: 2018-09-19. Review status: criteria provided, single submitter. Criteria: ACMG Guidelines, 2015. Collection method: clinical testing. Allele origin: unknown. Affected: yes.
Comment: This variant was determined to be of uncertain significance according to ACMG Guidelines, 2015 [PMID:25741868].

NM_015346.4(ZFYVE26):c.7358G>C (p.Arg2453Thr)

Gene: ZFYVE26 (zinc finger FYVE-type containing 26; minus strand). Cytogenetic location: 14q24.1.
Variant type: single nucleotide variant.
Coding change: c.7358G>C on transcript NM_015346.4 (MANE Select); coding-DNA position 7358, G replaced by C.
Protein change: p.Arg2453Thr; replaces arginine 2453 with threonine.
Molecular consequence: missense variant.
Genome position (GRCh38, 1-based): chr14:67,752,357, C>G on the plus strand (G>C on the coding strand, the complement: ZFYVE26 is on the minus strand). VCF-style: chr14-67752357-C-G. GRCh37 (hg19) VCF-style: chr14-68219074-C-G.
Other names: short protein forms R2453T.
Identifiers: ClinVar variation 1031909 (VCV001031909.4), dbSNP rs767313762, ClinGen allele CA7238999.
Genomic context (GRCh38, chr14:67,752,357, plus strand): 5'-GACACTGAAATTGATGGAGGAGCCAAGAGGTACGGGAGGGAGTGTACCTGGGGCGGAATT[C>G]TCTTGAACGCTTCCAGGCAGTTGAGGAGGATGGTGTCCCCGTCACTTTTGGCTGCCATGC-3'
Protein context (NP_056161.2, residues 2443-2463): ILLNCLEAFK[Arg2453Thr]IPPQELEGLI